The following is an entry in ClinVar:

NM_004415.4(DSP):c.5174G>A (p.Arg1725Gln)

Gene: DSP (desmoplakin; plus strand). Cytogenetic location: 6p24.3.
Variant type: single nucleotide variant.
Coding change: c.5174G>A on transcript NM_004415.4 (MANE Select); coding-DNA position 5174, G replaced by A.
Protein change: p.Arg1725Gln; replaces arginine 1725 with glutamine.
Molecular consequence: missense variant. On other transcripts: intron variant (2).
Genome position (GRCh38, 1-based): chr6:7,581,364, G>A. VCF-style: chr6-7581364-G-A. GRCh37 (hg19) VCF-style: chr6-7581597-G-A.
Other names: c.4050+1124G>A (NM_001319034.2); c.3583-1278G>A (NM_001008844.3); short protein forms R1725Q.
Identifiers: ClinVar variation 919855 (VCV000919855.15), dbSNP rs1759434677, ClinGen allele CA362688019.
Genomic context (GRCh38, chr6:7,581,364, plus strand): 5'-GGCTGCAGTCTCTCACAGAGAACCTGACCAAGGAGCACTTGATGTTAGAAGAAGAACTGC[G>A]GAACCTGAGGCTGGAGTACGATGACCTGAGGAGAGGACGAAGCGAAGCGGACAGTGATAA-3'
Protein context (NP_004406.2, residues 1715-1735): KEHLMLEEEL[Arg1725Gln]NLRLEYDDLR

ClinVar aggregate classification (germline): Uncertain significance. Review status: criteria provided, multiple submitters, no conflicts (2 of 4 stars). 5 submissions from 5 submitters: Uncertain significance (3). 2 of the submissions do not count toward it. Last evaluated 2025-02-18.

Conditions:
Cardiovascular phenotype. Identifiers: MedGen CN230736.
Cardiomyopathy (CMYO). Also called: Cardiomyopathies. Identifiers: Orphanet 167848, MedGen C0878544, MONDO:0004994, HP:0001638. Inheritance: Various modes of inheritance.
Arrhythmogenic cardiomyopathy with wooly hair and keratoderma. Also called: PALMOPLANTAR KERATODERMA WITH LEFT VENTRICULAR CARDIOMYOPATHY AND WOOLLY HAIR; Carvajal syndrome; Dilated cardiomyopathy with woolly hair and keratoderma; Arrhythmogenic cardiomyopathy with woolly hair and keratoderma. Identifiers: Orphanet 65282, MedGen C1854063, MONDO:0011581, OMIM 605676.
Arrhythmogenic right ventricular dysplasia 8 (ARVD8). Also called: Arrhythmogenic Right Ventricular Dysplasia/Cardiomyopathy 8; ARRHYTHMOGENIC RIGHT VENTRICULAR DYSPLASIA, FAMILIAL, 8; ARRHYTHMOGENIC RIGHT VENTRICULAR CARDIOMYOPATHY 8. Identifiers: MedGen C1843896, MONDO:0011831, OMIM 607450.

Allele frequency attached by ClinVar (database versions not stated): gnomAD below 0.00001 and 0.00001; gnomAD exomes 0.00001.
gnomAD v4.1: 14 of 1,614,096 alleles (0.00087%); highest among the groups gnomAD compares: South Asian, 0.0044%; no homozygotes.

Submissions (5):

Labcorp Genetics (formerly Invitae), Labcorp
Classification: Uncertain significance for Arrhythmogenic cardiomyopathy with wooly hair and keratoderma; Arrhythmogenic right ventricular dysplasia 8. Last evaluated: 2025-02-18. Review status: criteria provided, single submitter. Criteria: Invitae Variant Classification Sherloc (09022015). Collection method: clinical testing. Allele origin: germline.
Comment: This sequence change replaces arginine, which is basic and polar, with glutamine, which is neutral and polar, at codon 1725 of the DSP protein (p.Arg1725Gln). This variant is not present in population databases (gnomAD no frequency). This variant has not been reported in the literature in individuals affected with DSP-related conditions. ClinVar contains an entry for this variant (Variation ID: 919855). An algorithm developed to predict the effect of missense changes on protein structure and function (PolyPhen-2) suggests that this variant is likely to be disruptive. In summary, the available evidence is currently insufficient to determine the role of this variant in disease. Therefore, it has been classified as a Variant of Uncertain Significance.

Ambry Genetics
Classification: Uncertain significance for Cardiovascular phenotype. Last evaluated: 2024-12-14. Review status: criteria provided, single submitter. Criteria: Ambry Variant Classification Scheme 2023. Collection method: clinical testing. Allele origin: germline.
Comment: The p.R1725Q variant (also known as c.5174G>A), located in coding exon 23 of the DSP gene, results from a G to A substitution at nucleotide position 5174. The arginine at codon 1725 is replaced by glutamine, an amino acid with highly similar properties. This amino acid position is conserved. In addition, the in silico prediction for this alteration is inconclusive. Based on the available evidence, the clinical significance of this variant remains unclear.

Color Diagnostics, LLC DBA Color Health
Classification: Uncertain significance for Cardiomyopathy. Last evaluated: 2023-12-04. Review status: criteria provided, single submitter. Criteria: ACMG Guidelines, 2015. Collection method: clinical testing. Allele origin: germline.
Comment: This missense variant replaces arginine with glutamine at codon 1725 of the DSP protein. Computational prediction tools and conservation analyses are inconclusive regarding the impact of this variant on the protein function. Computational splicing tools suggest that this variant may not impact RNA splicing. To our knowledge, functional assays have not been performed for this variant nor has this variant been reported in individuals affected with cardiovascular disorders in the literature. This variant has not been identified in the general population by the Genome Aggregation Database (gnomAD). Available evidence is insufficient to determine the role of this variant in disease conclusively. Therefore, this variant is classified as a Variant of Uncertain Significance.

Clinical Genetics, Academic Medical Center
Classification: Uncertain significance. Review status: no assertion criteria provided. Collection method: clinical testing. Allele origin: germline. Affected: yes. Study: VKGL Data-share Consensus. Not counted in ClinVar's aggregate classification.

Diagnostic Laboratory, Department of Genetics, University Medical Center Groningen
Classification: Uncertain significance. Review status: no assertion criteria provided. Collection method: clinical testing. Allele origin: germline. Affected: yes. Study: VKGL Data-share Consensus. Not counted in ClinVar's aggregate classification.